The following is an entry in ClinVar:

ClinVar aggregate classification (germline): Conflicting classifications of pathogenicity. Review status: criteria provided, conflicting classifications (1 of 4 stars). 2 submissions from 2 submitters: Uncertain significance (1); Likely benign (1). Last evaluated 2024-07-09.

Allele frequency attached by ClinVar (database versions not stated): gnomAD exomes below 0.00001.
gnomAD v4.1: 1 of 1,598,774 alleles (0.000063%); highest among the groups gnomAD compares: Non-Finnish European, 0.000085%; no homozygotes.

Submissions (2):

Blueprint Genetics
Classification: Likely benign. Last evaluated: 2024-07-09. Review status: criteria provided, single submitter. Criteria: ACMG Guidelines, 2015. Collection method: clinical testing. Allele origin: germline.

Women's Health and Genetics/Laboratory Corporation of America, LabCorp
Classification: Uncertain significance. Last evaluated: 2024-01-03. Review status: criteria provided, single submitter. Criteria: LabCorp Variant Classification Summary - May 2015. Collection method: clinical testing. Allele origin: germline.
Comment: Variant summary: TTN c.30559+8A>G alters a non-conserved nucleotide located close to a canonical splice site and therefore could affect mRNA splicing, leading to a significantly altered protein sequence. Consensus agreement among computational tools predict no significant impact on normal splicing. However, these predictions have yet to be confirmed by functional studies. The variant was absent in 244072 control chromosomes (gnomAD). The available data on variant occurrences in the general population are insufficient to allow any conclusion about variant significance. To our knowledge, no occurrence of c.30559+8A>G in individuals affected with Limb-Girdle Muscular Dystrophy, Type 2J or Cardiomyopathy and no experimental evidence demonstrating its impact on protein function have been reported. No submitters have cited clinical-significance assessments for this variant to ClinVar after 2014. Based on the evidence outlined above, the variant was classified as uncertain significance.

NM_001267550.2(TTN):c.34291+8A>G

Gene: TTN (titin; minus strand). Cytogenetic location: 2q31.2.
Variant type: single nucleotide variant.
Coding change: c.34291+8A>G on transcript NM_001267550.2 (MANE Select); 8 bases into the intron after coding-DNA position 34291, A replaced by G.
Molecular consequence: intron variant.
Genome position (GRCh38, 1-based): chr2:178,677,613, T>C on the plus strand (A>G on the coding strand, the complement: TTN is on the minus strand). VCF-style: chr2-178677613-T-C. GRCh37 (hg19) VCF-style: chr2-179542340-T-C.
Other names: c.13283-35296A>G (NM_003319.4); c.13859-35296A>G (NM_133437.4); c.13658-35296A>G (NM_133432.3); c.30559+8A>G (NM_133378.4); c.33340+8A>G (NM_001256850.1).
Identifiers: ClinVar variation 3063753 (VCV003063753.2), dbSNP rs2473773888, ClinGen allele CA430127204.